The following is an entry in ClinVar:

NM_001844.5(COL2A1):c.3886G>C (p.Gly1296Arg)

Gene: COL2A1 (collagen type II alpha 1 chain; minus strand). Cytogenetic location: 12q13.11.
Variant type: single nucleotide variant.
Coding change: c.3886G>C on transcript NM_001844.5 (MANE Select); coding-DNA position 3886, G replaced by C.
Protein change: p.Gly1296Arg; replaces glycine 1296 with arginine.
Molecular consequence: missense variant.
Genome position (GRCh38, 1-based): chr12:47,975,317, C>G on the plus strand (G>C on the coding strand, the complement: COL2A1 is on the minus strand). VCF-style: chr12-47975317-C-G. GRCh37 (hg19) VCF-style: chr12-48369100-C-G.
Other names: c.3679G>C, p.Gly1227Arg (NM_033150.3); c.3886G>C (NM_001844.4); short protein forms G1296R, G1227R.
Identifiers: ClinVar variation 284083 (VCV000284083.7), dbSNP rs546672421, ClinGen allele CA6534624.

ClinVar aggregate classification (germline): Uncertain significance. Review status: criteria provided, single submitter (1 of 4 stars). 2 submissions from 2 submitters: Uncertain significance (1). 1 of the submissions does not count toward it. Last evaluated 2015-11-03.

Conditions:
COL2A1-related disorder. Also called: COL2A1-related condition; COL2A1-related disorders.

Allele frequency attached by ClinVar (database versions not stated): gnomAD below 0.00001 and 0.00001; gnomAD exomes 0.00005 and 0.00009; ExAC 0.00011; 1000 Genomes Project 30x 0.00016; 1000 Genomes Project 0.00020.
gnomAD v4.1: 66 of 1,613,732 alleles (0.0041%); highest among the groups gnomAD compares: South Asian, 0.072%; 1 homozygote.

Submissions (2):

Eurofins Ntd Llc (ga)
Classification: Uncertain significance. Last evaluated: 2015-11-03. Review status: criteria provided, single submitter. Criteria: EGL Classification Definitions 2015. Collection method: clinical testing. Allele origin: germline. Observed: 1 variant allele, 1 heterozygote.

PreventionGenetics, part of Exact Sciences
Classification: Likely benign for COL2A1-related condition. Last evaluated: 2022-01-24. Review status: no assertion criteria provided. Collection method: clinical testing. Allele origin: germline. Not counted in ClinVar's aggregate classification.
Comment: This variant is classified as likely benign based on ACMG/AMP sequence variant interpretation guidelines (Richards et al. 2015 PMID: 25741868, with internal and published modifications).